The following is an entry in ClinVar:

ClinVar aggregate classification (germline): Uncertain significance (1 of 4 stars; one submission).

Conditions:
Primary ciliary dyskinesia. Also called: Ciliary dyskinesia. Identifiers: Orphanet 244, MedGen C0008780, MONDO:0016575, HP:0012265.

Submission:

Labcorp Genetics (formerly Invitae), Labcorp
Classification: Uncertain significance for Primary ciliary dyskinesia. Last evaluated: 2022-09-28. Review status: criteria provided, single submitter. Criteria: Invitae Variant Classification Sherloc (09022015). Collection method: clinical testing. Allele origin: germline.
Comment: This sequence change replaces histidine, which is basic and polar, with glutamine, which is neutral and polar, at codon 4164 of the DNAH8 protein (p.His4164Gln). In summary, the available evidence is currently insufficient to determine the role of this variant in disease. Therefore, it has been classified as a Variant of Uncertain Significance. Advanced modeling of protein sequence and biophysical properties (such as structural, functional, and spatial information, amino acid conservation, physicochemical variation, residue mobility, and thermodynamic stability) has been performed at Invitae for this missense variant, however the output from this modeling did not meet the statistical confidence thresholds required to predict the impact of this variant on DNAH8 protein function. This variant has not been reported in the literature in individuals affected with DNAH8-related conditions. This variant is not present in population databases (gnomAD no frequency).

NM_001206927.2(DNAH8):c.12492T>G (p.His4164Gln)

Gene: DNAH8 (dynein axonemal heavy chain 8; plus strand). Cytogenetic location: 6p21.2.
Variant type: single nucleotide variant.
Coding change: c.12492T>G on transcript NM_001206927.2 (MANE Select); coding-DNA position 12492, T replaced by G.
Protein change: p.His4164Gln; replaces histidine 4164 with glutamine.
Molecular consequence: missense variant.
Genome position (GRCh38, 1-based): chr6:38,971,632, T>G. VCF-style: chr6-38971632-T-G. GRCh37 (hg19) VCF-style: chr6-38939408-T-G.
Other names: c.11841T>G, p.His3947Gln (NM_001371.4); short protein forms H4164Q, H3947Q.
Identifiers: ClinVar variation 2111168 (VCV002111168.4), dbSNP rs1763359909, ClinGen allele CA364002056.